The following is an entry in ClinVar:

ClinVar aggregate classification (germline): Uncertain significance (1 of 4 stars; one submission).

Conditions:
Peroxisome biogenesis disorder, complementation group 7 (CG7). Also called: Peroxisome biogenesis disorder, complementation group B. Identifiers: MedGen C1864399.

Allele frequency attached by ClinVar (database versions not stated): gnomAD exomes below 0.00001.

Submission:

Labcorp Genetics (formerly Invitae), Labcorp
Classification: Uncertain significance for Peroxisome biogenesis disorder, complementation group 7. Last evaluated: 2024-01-18. Review status: criteria provided, single submitter. Criteria: Invitae Variant Classification Sherloc (09022015). Collection method: clinical testing. Allele origin: germline.
Comment: This sequence change replaces alanine, which is neutral and non-polar, with valine, which is neutral and non-polar, at codon 15 of the PEX10 protein (p.Ala15Val). This variant is not present in population databases (gnomAD no frequency). This variant has not been reported in the literature in individuals affected with PEX10-related conditions. An algorithm developed to predict the effect of missense changes on protein structure and function (PolyPhen-2) suggests that this variant is likely to be tolerated. In summary, the available evidence is currently insufficient to determine the role of this variant in disease. Therefore, it has been classified as a Variant of Uncertain Significance.

NM_002617.4(PEX10):c.44C>T (p.Ala15Val)

Gene: PEX10 (peroxisomal biogenesis factor 10; minus strand). Cytogenetic location: 1p36.32.
Variant type: single nucleotide variant.
Coding change: c.44C>T on transcript NM_002617.4 (MANE Select); coding-DNA position 44, C replaced by T.
Protein change: p.Ala15Val; replaces alanine 15 with valine.
Molecular consequence: missense variant. On other transcripts: intron variant (2).
Genome position (GRCh38, 1-based): chr1:2,412,459, G>A on the plus strand (C>T on the coding strand, the complement: PEX10 is on the minus strand). VCF-style: chr1-2412459-G-A. GRCh37 (hg19) VCF-style: chr1-2343898-G-A.
Other names: c.44C>T, p.Ala15Val (NM_001374425.1, NM_153818.2); c.-321+1138C>T (NM_001374427.1, NM_001374426.1); short protein forms A15V.
Identifiers: ClinVar variation 2913680 (VCV002913680.3), dbSNP rs2100441372, ClinGen allele CA337990618.